The following is an entry in ClinVar:

ClinVar aggregate classification (germline): Uncertain significance (1 of 4 stars; one submission).

Submission:

GeneDx
Classification: Uncertain significance. Last evaluated: 2026-09-10. Review status: criteria provided, single submitter. Criteria: GeneDx Variant Classification Process June 2021. Collection method: clinical testing. Allele origin: germline.
Comment: Not observed at significant frequency in large population cohorts (gnomAD); In silico analysis supports that this missense variant does not alter protein structure/function; Has not been previously published as pathogenic or benign to our knowledge

NM_005045.4(RELN):c.6832C>G (p.Leu2278Val)

Gene: RELN (reelin; minus strand). Cytogenetic location: 7q22.1.
Variant type: single nucleotide variant.
Coding change: c.6832C>G on transcript NM_005045.4 (MANE Select); coding-DNA position 6832, C replaced by G.
Protein change: p.Leu2278Val; replaces leucine 2278 with valine.
Molecular consequence: missense variant.
Genome position (GRCh38, 1-based): chr7:103,540,295, G>C on the plus strand (C>G on the coding strand, the complement: RELN is on the minus strand). VCF-style: chr7-103540295-G-C. GRCh37 (hg19) VCF-style: chr7-103180742-G-C.
Other names: c.6832C>G, p.Leu2278Val (NM_173054.3); short protein forms L2278V.
Identifiers: ClinVar variation 1806506 (VCV001806506.2), dbSNP rs2484788216, ClinGen allele CA368769856.